The following is an entry in ClinVar:

ClinVar aggregate classification (germline): Pathogenic/Likely pathogenic. Review status: criteria provided, multiple submitters, no conflicts (2 of 4 stars). 6 submissions from 6 submitters: Pathogenic (2); Likely pathogenic (3). 1 of the submissions does not count toward it. Last evaluated 2026-03-12.

Conditions:
Polycystic kidney disease 2 (PKD2). Also called: POLYCYSTIC KIDNEY DISEASE 2 WITH OR WITHOUT POLYCYSTIC LIVER DISEASE; POLYCYSTIC KIDNEY DISEASE, ADULT, TYPE II; Polycystic Kidney Disease 2, Autosomal Dominant. Identifiers: MedGen C2751306, MONDO:0013131, OMIM 613095.
Autosomal dominant polycystic kidney disease. Identifiers: Orphanet 730, MedGen C0085413, MONDO:0004691.
Polycystic kidney disease. Also called: Kidney, Polycystic; Polycystic kidney dysplasia. Identifiers: MedGen C0022680, MeSH D007690, MONDO:0020642, HP:0000113.

Submissions (6):

Victorian Clinical Genetics Services, Murdoch Childrens Research Institute
Classification: Pathogenic for Polycystic kidney disease 2. Last evaluated: 2026-03-12. Review status: criteria provided, single submitter. Criteria: ACMG Guidelines, 2015. Collection method: clinical testing. Allele origin: germline. Affected: yes.
Comment: This variant is classified as Pathogenic. Evidence in support of pathogenic classification: Canonical splice site variant without proven consequence on splicing (no functional evidence available); Variant is absent from gnomAD (v2, v3 and v4); This variant has strong previous evidence of pathogenicity in unrelated individuals. This variant has been classified as pathogenic/likely pathogenic by clinical laboratories in ClinVar, and reported in the literature in individuals with autosomal dominant polycystic kidney disease (PMIDs: 9326320, 27499327, 26453610, 28356211, 32457805); Abnormal splicing is predicted by in silico tool and affected nucleotide is highly conserved. Additional information: This variant is heterozygous; This gene is associated with autosomal dominant disease; Loss of function is a known mechanism of disease in this gene and is associated with polycystic kidney disease 2 (MIM#613095); Inheritance information for this variant is not currently available in this individual.

Labcorp Genetics (formerly Invitae), Labcorp
Classification: Likely pathogenic for Autosomal dominant polycystic kidney disease. Last evaluated: 2023-05-24. Review status: criteria provided, single submitter. Criteria: Invitae Variant Classification Sherloc (09022015). Collection method: clinical testing. Allele origin: germline.
Comment: This sequence change affects a donor splice site in intron 2 of the PKD2 gene. It is expected to disrupt RNA splicing. Variants that disrupt the donor or acceptor splice site typically lead to a loss of protein function (PMID: 16199547), and loss-of-function variants in PKD2 are known to be pathogenic (PMID: 17582161, 22863349). This variant is not present in population databases (gnomAD no frequency). Disruption of this splice site has been observed in individual(s) with autosomal dominant polycystic kidney disease (PMID: 9326320, 26453610, 27499327, 33437033). ClinVar contains an entry for this variant (Variation ID: 92797). Algorithms developed to predict the effect of sequence changes on RNA splicing suggest that this variant may disrupt the consensus splice site. In summary, the currently available evidence indicates that the variant is pathogenic, but additional data are needed to prove that conclusively. Therefore, this variant has been classified as Likely Pathogenic.

GeneDx
Classification: Likely pathogenic. Last evaluated: 2023-02-10. Review status: criteria provided, single submitter. Criteria: GeneDx Variant Classification Process June 2021. Collection method: clinical testing. Allele origin: germline. Affected: yes.
Comment: Canonical splice site variant expected to result in aberrant splicing, although in the absence of functional evidence the actual effect of this sequence change is unknown.; Not observed at significant frequency in large population cohorts (gnomAD); This variant is associated with the following publications: (PMID: 25525159, 11438989, 10411676, 9326320, 26453610, 27499327, 26147798)

Eurofins Ntd Llc (ga)
Classification: Pathogenic. Last evaluated: 2012-12-18. Review status: criteria provided, single submitter. Criteria: EGL Classification Definitions 2015. Collection method: clinical testing. Allele origin: germline. Observed: 1 variant allele, 1 heterozygote.

Juno Genomics, Hangzhou Juno Genomics, Inc
Classification: Likely pathogenic for Polycystic kidney disease 2. Review status: criteria provided, single submitter. Criteria: ACMG Guidelines, 2015. Collection method: clinical testing. Allele origin: germline. Affected: yes.
Comment: Absent from controls (or at extremely low frequency if recessive) in Genome Aggregation Database, Exome Sequencing Project, 1000 Genomes Project, or Exome Aggregation Consortium.;Null variant in a gene where loss of function (LOF) is a known mechanism of disease.;The prevalence of the variant in affected individuals is significantly increased compared to the prevalence in controls.;Patient's phenotype or family history is highly specific for a disease with a single genetic etiology.

Department of Pathology and Laboratory Medicine, Sinai Health System
Classification: Pathogenic for Polycystic Kidney disease. Review status: no assertion criteria provided. Collection method: clinical testing. Allele origin: unknown. Affected: yes. Observed: 1 variant allele. Study: The Canadian Open Genetics Repository (COGR). Not counted in ClinVar's aggregate classification.
Comment: The PKD2 c.709+1G>A variant was identified in 3 of 1910 proband chromosomes (frequency: 0.002) from individuals or families with ADPKD (AudrâˆšÂ©zet 2012, Hwang 2016, Veldhuisen 1997). The variant was also identified in dbSNP (ID: rs398123308) as â€šÃ„ÃºWith Pathogenic alleleâ€šÃ„Ã¹, Clinvitae database (classified as pathogenic by ClinVar), the ClinVar database (classified as pathogenic by Emory Genetics), and the ADPKD Mutation Database (classified as definitely pathogenic). The variant was not found in 1000 Genomes Project, the NHLBI GO Exome Sequencing Project and the Exome Aggregation Consortium database (August 8th 2016). The c.709+1G>A variant is predicted to cause abnormal splicing because the nucleotide substitution occurs in the invariant region of the splice consensus sequence. In addition, 4 of 5 in silico or computational prediction software programs (SpliceSiteFinder, MaxEntScan, NNSPLICE, GeneSplicer, HumanSpliceFinder) predict a greater than 10% difference in splicing. In summary, based on the above information, this variant meets our laboratoryâ€šÃ„Ã´s criteria to be classified as pathogenic.

Literature cited by the submitters: PubMed 27499327 (cited by Victorian Clinical Genetics Services, Murdoch Childrens Research Institute and Labcorp Genetics (formerly Invitae), Labcorp); PubMed 28356211 (cited by Victorian Clinical Genetics Services, Murdoch Childrens Research Institute); PubMed 32457805 (cited by Victorian Clinical Genetics Services, Murdoch Childrens Research Institute); PubMed 26453610 (cited by Victorian Clinical Genetics Services, Murdoch Childrens Research Institute and Labcorp Genetics (formerly Invitae), Labcorp); PubMed 9326320 (cited by Victorian Clinical Genetics Services, Murdoch Childrens Research Institute and Labcorp Genetics (formerly Invitae), Labcorp); PubMed 16199547 (cited by Labcorp Genetics (formerly Invitae), Labcorp); PubMed 17582161 (cited by Labcorp Genetics (formerly Invitae), Labcorp); PubMed 22863349 (cited by Labcorp Genetics (formerly Invitae), Labcorp); PubMed 33437033 (cited by Labcorp Genetics (formerly Invitae), Labcorp).

NM_000297.4(PKD2):c.709+1G>A

Gene: PKD2 (polycystin 2, transient receptor potential cation channel; plus strand). Cytogenetic location: 4q22.1.
Variant type: single nucleotide variant.
Coding change: c.709+1G>A on transcript NM_000297.4 (MANE Select); the canonical splice donor site of the intron after coding-DNA position 709, G replaced by A.
Molecular consequence: splice donor variant.
Genome position (GRCh38, 1-based): chr4:88,019,572, G>A. VCF-style: chr4-88019572-G-A. GRCh37 (hg19) VCF-style: chr4-88940724-G-A.
Identifiers: ClinVar variation 92797 (VCV000092797.15), dbSNP rs398123308, ClinGen allele CA220617.
Genomic context (GRCh38, chr4:88,019,572, plus strand): 5'-TTAAAAGTGTTTTACGGGAACTGGTCACATACCTCCTTTTTCTCATAGTCTTGTGCATCT[G>A]TAAGTAGAATATTTCCTTGCACTAATGGGAAAGTTTTGAAAAGATTTGACCTATCCAAAT-3'